The following is an entry in ClinVar:

NM_001145026.2(PTPRQ):c.4988C>T (p.Thr1663Met)

Gene: PTPRQ (protein tyrosine phosphatase receptor type Q; plus strand). Cytogenetic location: 12q21.31.
Variant type: single nucleotide variant.
Coding change: c.4988C>T on transcript NM_001145026.2 (MANE Select); coding-DNA position 4988, C replaced by T.
Protein change: p.Thr1663Met; replaces threonine 1663 with methionine.
Molecular consequence: missense variant.
Genome position (GRCh38, 1-based): chr12:80,613,661, C>T. VCF-style: chr12-80613661-C-T. GRCh37 (hg19) VCF-style: chr12-81007440-C-T.
Other names: short protein forms T1663M.
Identifiers: ClinVar variation 4984406 (VCV004984406.1).

ClinVar aggregate classification (germline): Uncertain significance (1 of 4 stars; one submission).

Conditions:
PTPRQ-related disorder. Also called: PTPRQ-related condition.

gnomAD v4.1: 27 of 1,545,508 alleles (0.0017%); highest among the groups gnomAD compares: East Asian, 0.042%; no homozygotes.

Submission:

PreventionGenetics, part of Exact Sciences
Classification: Uncertain significance for PTPRQ-related condition. Last evaluated: 2025-08-27. Review status: criteria provided, single submitter. Criteria: ACMG Guidelines, 2015. Collection method: clinical testing. Allele origin: germline.
Comment: The PTPRQ c.4988C>T variant is predicted to result in the amino acid substitution p.Thr1663Met. This variant has been reported in the compound heterozygous state in an individual with sensorineural hearing loss (referred to as c.4472C>T p.T1491M in Wu et al. 2018. PubMed ID: 29849575). This variant is reported in 0.046% of alleles in individuals of East Asian descent in gnomAD. At this time, the clinical significance of this variant is uncertain due to the absence of conclusive functional and genetic evidence.